The following is an entry in ClinVar:

NM_020207.7(ERCC6L2):c.2710_2716del (p.Ile904fs)

Gene: ERCC6L2 (ERCC excision repair 6 like 2; plus strand). Cytogenetic location: 9q22.32.
Variant type: Deletion.
Coding change: c.2710_2716del on transcript NM_020207.7 (MANE Select); coding-DNA positions 2710 to 2716, 7 bases deleted (ATCTGTC; older notation c.2710_2716delATCTGTC).
Protein change: p.Ile904fs; shifts the reading frame from isoleucine 904.
Molecular consequence: frameshift variant. On other transcripts: non-coding transcript variant (1).
Genome position (GRCh38, 1-based): chr9:95,972,461-95,972,467, ATCTGTC deleted; deleting any 7 consecutive bases within chr9:95,972,457-95,972,467 gives the same sequence; the c. name uses the placement nearest the transcript's 3' end. VCF-style (leftmost placement, unchanged base first): chr9-95972456-ATGTCATC-A. GRCh37 (hg19) VCF-style: chr9-98734738-ATGTCATC-A.
Other names: c.2710_2716del, p.Ile904fs (NM_001375291.1, NM_001375292.1, NM_001375293.1 and 1 more transcripts); short protein forms I904fs.
Identifiers: ClinVar variation 2797877 (VCV002797877.3), dbSNP rs2490553149, ClinGen allele CA2739264853.

ClinVar aggregate classification (germline): Pathogenic (1 of 4 stars; one submission).

Submission:

Labcorp Genetics (formerly Invitae), Labcorp
Classification: Pathogenic. Last evaluated: 2025-11-24. Review status: criteria provided, single submitter. Criteria: Invitae Variant Classification Sherloc (09022015). Collection method: clinical testing. Allele origin: germline.
Comment: This sequence change creates a premature translational stop signal (p.Ile915Leufs*14) in the ERCC6L2 gene. It is expected to result in an absent or disrupted protein product. Loss-of-function variants in ERCC6L2 are known to be pathogenic (PMID: 24507776, 27185855, 29146883, 29987015). This variant is not present in population databases (gnomAD no frequency). This variant has not been reported in the literature in individuals affected with ERCC6L2-related conditions. ClinVar contains an entry for this variant (Variation ID: 2797877). For these reasons, this variant has been classified as Pathogenic.

Literature cited by the submitters: PubMed 24507776; PubMed 27185855; PubMed 29146883; PubMed 29987015.